The following is an entry in ClinVar:

NM_057176.3(BSND):c.139G>A (p.Gly47Arg)

Gene: BSND (barttin CLCNK type accessory subunit beta; plus strand). Cytogenetic location: 1p32.3.
Variant type: single nucleotide variant.
Coding change: c.139G>A on transcript NM_057176.3 (MANE Select); coding-DNA position 139, G replaced by A.
Protein change: p.Gly47Arg; replaces glycine 47 with arginine.
Molecular consequence: missense variant.
Genome position (GRCh38, 1-based): chr1:54,999,325, G>A. VCF-style: chr1-54999325-G-A. GRCh37 (hg19) VCF-style: chr1-55464998-G-A.
Other names: short protein forms G47R.
Identifiers: ClinVar variation 4387 (VCV000004387.44), dbSNP rs74315289, ClinGen allele CA116811.

ClinVar aggregate classification (germline): Pathogenic/Likely pathogenic. Review status: criteria provided, multiple submitters, no conflicts (2 of 4 stars). 21 submissions from 21 submitters: Pathogenic (16); Likely pathogenic (4). 1 of the submissions does not count toward it. Last evaluated 2026-07-14.

Conditions:
Bartter syndrome type 4. Also called: Infantile Bartter syndrome with sensorineural deafness. Identifiers: Orphanet 89938, MedGen C3838860, MONDO:0019524.
BSND-related disorder. Also called: BSND-related condition.
Bartter syndrome. Identifiers: Orphanet 112, MedGen C0004775, MONDO:0015231.
Hearing loss, autosomal recessive. Also called: Autosomal recessive nonsyndromic deafness; Rare autosomal recessive non-syndromic sensorineural deafness type DFNB; Nonsyndromic Hearing Loss, Recessive; Deafness, autosomal recessive. Identifiers: Orphanet 90635, Orphanet 90636, MedGen C1846647, MONDO:0019588, OMIM 607197.
Bartter disease type 4A. Also called: BARTTER SYNDROME, TYPE 4A, NEONATAL, WITH SENSORINEURAL DEAFNESS; BARTTER SYNDROME, NEONATAL, WITH SENSORINEURAL DEAFNESS. Identifiers: Orphanet 112, MedGen C1865270, MONDO:0011242, OMIM 602522.

Allele frequency attached by ClinVar (database versions not stated): ExAC 0.00007; gnomAD exomes 0.00010 and 0.00019; gnomAD 0.00014 and 0.00016; TOPMed 0.00018.

Submissions 1 to 13 of 21:

PreventionGenetics, part of Exact Sciences
Classification: Pathogenic for BSND-related condition. Last evaluated: 2026-07-14. Review status: criteria provided, single submitter. Criteria: ACMG Guidelines, 2015. Collection method: clinical testing. Allele origin: germline.
Comment: The BSND c.139G>A variant is predicted to result in the amino acid substitution p.Gly47Arg. This variant has been reported to be causative for a mild form of Bartter syndrome (Janssen et al. 2009. PubMed ID: 18776122; Miyamura et al. 2003. PubMed ID: 12574213; Lee et al. 2012. PubMed ID: 21865213). This variant is reported in 0.018% of alleles in individuals of African descent in gnomAD. This variant is interpreted as pathogenic.

Laboratory of Molecular, Cellular and Translation Genetics in Otolaryngology/ Lim32-hcfmusp, University of Sao Paulo School of Medicine Clinics Hospital
Classification: Likely pathogenic for Bartter disease type 4A. Last evaluated: 2026-04-30. Review status: criteria provided, single submitter. Criteria: ACMG Guidelines, 2015. Collection method: research. Allele origin: germline. Affected: yes.
Comment: NM_057176.3:c.139G>A:p.(Gly47Arg). This variant has been classified as likely pathogenic. It is rare in population databases (PM2_supporting). It has been repeatedly reported in trans with other pathogenic BSND variants (PM3_strong) and has been shown to segregate with hearing loss in affected families (PP1). Functional studies support a deleterious effect on the gene product (PS3_supporting; PMID: 21269598). Overall, these findings support the causative role of this variant in autosomal recessive syndromic hearing loss as described in PMID: 42233699.

Labcorp Genetics (formerly Invitae), Labcorp
Classification: Pathogenic. Last evaluated: 2026-01-09. Review status: criteria provided, single submitter. Criteria: Invitae Variant Classification Sherloc (09022015). Collection method: clinical testing. Allele origin: germline.
Comment: This sequence change replaces glycine, which is neutral and non-polar, with arginine, which is basic and polar, at codon 47 of the BSND protein (p.Gly47Arg). This variant is present in population databases (rs74315289, gnomAD 0.02%). This missense change has been observed in individual(s) with Bartter syndrome (PMID: 12574213, 16328537, 21865213, 26537508). In at least one individual the data is consistent with being in trans (on the opposite chromosome) from a pathogenic variant. It has also been observed to segregate with disease in related individuals. ClinVar contains an entry for this variant (Variation ID: 4387). Invitae Evidence Modeling of protein sequence and biophysical properties (such as structural, functional, and spatial information, amino acid conservation, physicochemical variation, residue mobility, and thermodynamic stability) has been performed for this missense variant. However, the output from this modeling did not meet the statistical confidence thresholds required to predict the impact of this variant on BSND protein function. Experimental studies have shown that this missense change affects BSND function (PMID: 11734858, 18776122). For these reasons, this variant has been classified as Pathogenic.

Dasa
Classification: Likely pathogenic. Last evaluated: 2026-01-03. Review status: criteria provided, single submitter. Criteria: DASA Assertion Criteria. Collection method: clinical testing. Allele origin: germline.
Comment: NM_057176.3(BSND):c.139G>A (p.Gly47Arg) is a missense variant that results in the substitution of glycine with arginine. This variant has been recurrently observed in individuals with BSND-related disorders (PMID: 39467922; PMID: 39336818; PMID: 39498320; PMID: 29942493; PMID: 29398133). Functional evidence supports an impact on the gene or gene product (PMID: 39467922; PMID: 39336818; PMID: 39498320; PMID: 29942493; PMID: 29398133). Also, this variant is rare in population databases. Based on the currently available evidence, this variant is classified as likely pathogenic.

GeneDx
Classification: Pathogenic. Last evaluated: 2025-10-15. Review status: criteria provided, single submitter. Criteria: GeneDx Variant Classification Process June 2021. Collection method: clinical testing. Allele origin: germline. Affected: yes.
Comment: Published functional studies demonstrate the variant disrupts normal protein function (PMID: 18776122, 11734858); In silico analysis supports that this missense variant has a deleterious effect on protein structure/function; This variant is associated with the following publications: (PMID: 21158220, 21269598, 16328537, 26537508, 21865213, 12574213, 16935888, 16572343, 31667618, 11734858, 34426522, 31589614, 31980526, 35314707, 35982159, 18776122, 39336818, 39467922)

Rare Kidney Stone Consortium and the Mayo Clinic Hyperoxaluria Center, Mayo Clinic
Classification: Likely pathogenic for Bartter disease type 4A. Last evaluated: 2025-10-03. Review status: criteria provided, single submitter. Criteria: ACMG Guidelines, 2015. Collection method: research. Allele origin: germline. Observed: 1 variant allele.
Comment: ACMG:PM2, PM3, PP5

Women's Health and Genetics/Laboratory Corporation of America, LabCorp
Classification: Pathogenic for Bartter syndrome. Last evaluated: 2025-09-30. Review status: criteria provided, single submitter. Criteria: LabCorp Variant Classification Summary - May 2015. Collection method: clinical testing. Allele origin: germline.
Comment: Variant summary: BSND c.139G>A (p.Gly47Arg) results in a non-conservative amino acid change in the encoded protein sequence. Algorithms developed to predict the effect of missense changes on protein structure and function are either unavailable or do not agree on the potential impact of this missense change. The variant allele was found at a frequency of 0.0001 in 250814 control chromosomes. This frequency is not significantly higher than estimated for disease-causing variants in BSND, allowing no conclusion about variant significance. c.139G>A has been observed in multiple homozygous individuals affected with Bartter Syndrome, Type 4a (e.g. Garcia-Nieto_2006). These data indicate that the variant is very likely to be associated with disease. The following publication has been ascertained in the context of this evaluation (PMID: 16572343). ClinVar contains an entry for this variant (Variation ID: 4387). Based on the evidence outlined above, the variant was classified as pathogenic.

Natera, Inc.
Classification: Pathogenic for Bartter syndrome. Last evaluated: 2025-09-22. Review status: criteria provided, single submitter. Criteria: Natera Variant Classification Schema (03/2026). Collection method: clinical testing. Allele origin: germline.
Comment: The c.139G>A variant in BSND is a missense variant predicted to cause substitution of glycine to arginine at amino acid 47. This variant is rare in the general population with a frequency below the threshold expected for the associated phenotype(s). This variant has been observed in one or more individuals affected with the associated recessive disease, as either homozygous or compound heterozygous with a second variant (PMID: 16572343, 21158220, 12574213, 16328537). This variant has been observed to segregate in affected family members (PMID: 16572343). Functional studies show that this variant may disrupt protein function (PMID: 18776122). Computational prediction algorithms indicate this variant is likely to affect gene or protein function. Given the available evidence, this variant is classified as Pathogenic.

Laboratory of Molecular Genetics, CHU Rennes
Classification: Likely pathogenic for Bartter disease type 4A. Last evaluated: 2025-04-14. Review status: criteria provided, single submitter. Criteria: ACMG Guidelines, 2015. Collection method: clinical testing. Allele origin: maternal. Affected: yes.

Blueprint Genetics
Classification: Pathogenic for BSND-related disorders. Last evaluated: 2024-08-02. Review status: criteria provided, single submitter. Criteria: ACMG Guidelines, 2015. Collection method: clinical testing. Allele origin: germline. Affected: yes. Observed: 5 variant alleles.

Laboratory of Human Genetics, Universidade de São Paulo
Classification: Pathogenic for Hearing loss, autosomal recessive. Last evaluated: 2024-05-01. Review status: criteria provided, single submitter. Criteria: ClinGen HL ACMG Specifications v1. Collection method: research. Allele origin: biparental. Affected: yes. Observed: 1 variant allele.
Comment: The BSND NM_057176.3:c.139G>A variant : For recessive disorders, detected in trans with a pathogenic variant, or in a homozygous or compound heterozygous state in affected cases (PM3), Cosegregation with disease in multiple affected family members in a gene definitively known to cause the disease (PP1), Well-established functional studies show damaging effect on the gene or gene product (PS3), Extremely low frequency in gnomAD population databases (PM2).

Genomic Medicine Center of Excellence, King Faisal Specialist Hospital and Research Centre
Classification: Pathogenic for Bartter disease type 4A. Last evaluated: 2024-03-29. Review status: criteria provided, single submitter. Criteria: ACMG Guidelines, 2015. Collection method: clinical testing. Allele origin: germline.

Department of Pathology and Laboratory Medicine, Sinai Health System
Classification: Pathogenic for Bartter syndrome type 4. Last evaluated: 2023-10-17. Review status: criteria provided, single submitter. Criteria: ACMG Guidelines, 2015. Collection method: research. Allele origin: germline.